The following is an entry in ClinVar:

NM_014339.7(IL17RA):c.932-5T>A

Gene: IL17RA (interleukin 17 receptor A; plus strand). Cytogenetic location: 22q11.1.
Variant type: single nucleotide variant.
Coding change: c.932-5T>A on transcript NM_014339.7 (MANE Select); 5 bases into the intron before coding-DNA position 932, T replaced by A.
Molecular consequence: intron variant.
Genome position (GRCh38, 1-based): chr22:17,105,586, T>A. VCF-style: chr22-17105586-T-A. GRCh37 (hg19) VCF-style: chr22-17586476-T-A.
Other names: c.932-5T>A (NM_001289905.2).
Identifiers: ClinVar variation 1051997 (VCV001051997.9), dbSNP rs2123807213, ClinGen allele CA2499226007.

ClinVar aggregate classification (germline): Uncertain significance (1 of 4 stars; one submission).

Conditions:
Immunodeficiency 51 (IMD51). Also called: CANDIDIASIS, FAMILIAL, 5. Identifiers: Orphanet 1334, MedGen C4310803, MONDO:0013500, OMIM 613953.

Submission:

Labcorp Genetics (formerly Invitae), Labcorp
Classification: Uncertain significance for Immunodeficiency 51. Last evaluated: 2020-02-16. Review status: criteria provided, single submitter. Criteria: Invitae Variant Classification Sherloc (09022015). Collection method: clinical testing. Allele origin: germline.
Comment: Algorithms developed to predict the effect of sequence changes on RNA splicing suggest that this variant may disrupt the consensus splice site, but this prediction has not been confirmed by published transcriptional studies. This sequence change falls in intron 9 of the IL17RA gene. It does not directly change the encoded amino acid sequence of the IL17RA protein. In summary, the available evidence is currently insufficient to determine the role of this variant in disease. Therefore, it has been classified as a Variant of Uncertain Significance. This variant has not been reported in the literature in individuals with IL17RA-related conditions. This variant is not present in population databases (ExAC no frequency).